The following is an entry in ClinVar:

ClinVar aggregate classification (germline): Uncertain significance. Review status: criteria provided, multiple submitters, no conflicts (2 of 4 stars). 2 submissions from 2 submitters: Uncertain significance (2). Last evaluated 2024-12-02.

Conditions:
Cardiovascular phenotype. Identifiers: MedGen CN230736.

Allele frequency attached by ClinVar (database versions not stated): gnomAD exomes below 0.00001; ExAC 0.00002; gnomAD 0.00003; TOPMed 0.00005.
gnomAD v4.1: 11 of 1,603,284 alleles (0.00069%); highest among the groups gnomAD compares: African/African-American, 0.013%; no homozygotes.

Submissions (2):

Dasa
Classification: Uncertain significance. Last evaluated: 2024-12-02. Review status: criteria provided, single submitter. Criteria: DASA Assertion Criteria. Collection method: clinical testing. Allele origin: germline.
Comment: NM_001010874.5(TECRL):c.1013A>C (p.Gln338Pro) is a missense variant that results in the substitution of glutamine with proline. This variant is rare in population databases. Computational prediction algorithms are consistent with a benign effect. The currently available literature and clinical evidence are not sufficient to establish a definitive association between this variant and the reported condition. Therefore, this variant is classified as a variant of uncertain significance.

Ambry Genetics
Classification: Uncertain significance for Cardiovascular phenotype. Last evaluated: 2022-07-17. Review status: criteria provided, single submitter. Criteria: Ambry Variant Classification Scheme 2023. Collection method: clinical testing. Allele origin: germline.
Comment: The p.Q338P variant (also known as c.1013A>C), located in coding exon 12 of the TECRL gene, results from an A to C substitution at nucleotide position 1013. The glutamine at codon 338 is replaced by proline, an amino acid with similar properties. This amino acid position is conserved. In addition, this alteration is predicted to be tolerated by in silico analysis. Since supporting evidence is limited at this time, the clinical significance of this alteration remains unclear.

NM_001010874.5(TECRL):c.1013A>C (p.Gln338Pro)

Gene: TECRL (trans-2,3-enoyl-CoA reductase like; minus strand). Cytogenetic location: 4q13.1.
Variant type: single nucleotide variant.
Coding change: c.1013A>C on transcript NM_001010874.5 (MANE Select); coding-DNA position 1013, A replaced by C.
Protein change: p.Gln338Pro; replaces glutamine 338 with proline.
Molecular consequence: missense variant. On other transcripts: intron variant (1).
Genome position (GRCh38, 1-based): chr4:64,280,151, T>G on the plus strand (A>C on the coding strand, the complement: TECRL is on the minus strand). VCF-style: chr4-64280151-T-G. GRCh37 (hg19) VCF-style: chr4-65145869-T-G.
Other names: c.964+890A>C (NM_001363796.1); short protein forms Q338P.
Identifiers: ClinVar variation 1735722 (VCV001735722.4), dbSNP rs758477637, ClinGen allele CA2935259.